The following is an entry in ClinVar:

ClinVar aggregate classification (germline): Uncertain significance (1 of 4 stars; one submission).

Submission:

Labcorp Genetics (formerly Invitae), Labcorp
Classification: Uncertain significance. Last evaluated: 2020-09-04. Review status: criteria provided, single submitter. Criteria: Invitae Variant Classification Sherloc (09022015). Collection method: clinical testing. Allele origin: germline.
Comment: In summary, the available evidence is currently insufficient to determine the role of this variant in disease. Therefore, it has been classified as a Variant of Uncertain Significance. This variant has not been reported in the literature in individuals with CNGA3-related conditions. This variant is present in population databases (rs757901022, ExAC 0.006%). This sequence change results in a frameshift in the CNGA3 gene (p.Gln694Valfs*17). While this is not anticipated to result in nonsense mediated decay, it is expected to disrupt the final amino acid of the CNGA3 protein and extend the protein by an additional 15 amino acids.

NM_001298.3(CNGA3):c.2080_2081del (p.Gln694fs)

Gene: CNGA3 (cyclic nucleotide gated channel subunit alpha 3; plus strand). Cytogenetic location: 2q11.2.
Variant type: Deletion.
Coding change: c.2080_2081del on transcript NM_001298.3 (MANE Select); coding-DNA positions 2080 to 2081, 2 bases deleted (CA; older notation c.2080_2081delCA).
Protein change: p.Gln694fs; shifts the reading frame from glutamine 694.
Molecular consequence: frameshift variant.
Genome position (GRCh38, 1-based): chr2:98,397,250-98,397,251, CA deleted; deleting any 2 consecutive bases within chr2:98,397,249-98,397,251 gives the same sequence; the c. name uses the placement nearest the transcript's 3' end. VCF-style (leftmost placement, unchanged base first): chr2-98397248-AAC-A. GRCh37 (hg19) VCF-style: chr2-99013711-AAC-A.
Other names: c.2026_2027del, p.Gln676fs (NM_001079878.2); short protein forms Q676fs, Q694fs.
Identifiers: ClinVar variation 1004337 (VCV001004337.6), dbSNP rs757901022, ClinGen allele CA1794145.